The following is an entry in ClinVar:

NM_000158.4(GBE1):c.771T>A (p.Phe257Leu)

Gene: GBE1 (1,4-alpha-glucan branching enzyme 1; minus strand). Cytogenetic location: 3p12.2.
Variant type: single nucleotide variant.
Coding change: c.771T>A on transcript NM_000158.4 (MANE Select); coding-DNA position 771, T replaced by A.
Protein change: p.Phe257Leu; replaces phenylalanine 257 with leucine.
Molecular consequence: missense variant.
Genome position (GRCh38, 1-based): chr3:81,646,403, A>T on the plus strand (T>A on the coding strand, the complement: GBE1 is on the minus strand). VCF-style: chr3-81646403-A-T. GRCh37 (hg19) VCF-style: chr3-81695554-A-T.
Other names: NM_000158.4(GBE1):c.771T>A; c.771T>A; short protein forms F257L.
Identifiers: ClinVar variation 2780 (VCV000002780.18), dbSNP rs137852887, ClinGen allele CA115749.

ClinVar aggregate classification (germline): Conflicting classifications of pathogenicity. Review status: criteria provided, conflicting classifications (1 of 4 stars). 10 submissions from 10 submitters: Pathogenic (1); Likely pathogenic (5); Uncertain significance (2). 2 of the submissions do not count toward it. Last evaluated 2026-02-10.

Conditions:
Glycogen storage disease, type IV (GSD4). Also called: AMYLOPECTINOSIS; ANDERSEN DISEASE; BRANCHER DEFICIENCY; CIRRHOSIS, FAMILIAL, WITH DEPOSITION OF ABNORMAL GLYCOGEN; Glycogen storage disease due to glycogen branching enzyme deficiency; GBE1 DEFICIENCY. Identifiers: Orphanet 367, MedGen C0017923, MONDO:0009292, OMIM 232500.
Glycogen storage disease IV, classic hepatic. Also called: GSD IV, CLASSIC HEPATIC. Identifiers: MedGen C1856301.
Adult polyglucosan body disease (APBN). Also called: GBE1-Adult Polyglucosan Body Disease; POLYGLUCOSAN BODY DISEASE, ADULT FORM. Identifiers: Orphanet 206583, MedGen C1849722, MONDO:0009897, OMIM 263570.

Allele frequency attached by ClinVar (database versions not stated): gnomAD exomes below 0.00001; gnomAD 0.00001; TOPMed 0.00001.
gnomAD v4.1: 5 of 1,594,282 alleles (0.00031%); highest among the groups gnomAD compares: African/African-American, 0.0014%; no homozygotes.

Submissions (10):

Myriad Genetics, Inc.
Classification: Uncertain significance for Glycogen storage disease, type IV. Last evaluated: 2026-02-10. Review status: criteria provided, single submitter. Criteria: Myriad Autosomal Dominant, Autosomal Recessive and X-Linked Classification Criteria (2023). Collection method: clinical testing. Allele origin: unknown.
Comment: NM_000158.3(GBE1):c.771T>A(F257L) is a missense variant classified as a variant of uncertain significance in the context of glycogen storage disease, GBE1-related. F257L has been observed in a case with relevant disease (PMID: 8613547). Relevant functional assessments of this variant are available in the literature (PMID: 8613547). F257L has been observed in referenced population frequency databases. In summary, there is insufficient evidence to classify NM_000158.3(GBE1):c.771T>A(F257L) as pathogenic or benign. Please note: this variant was assessed in the context of healthy population screening.

Natera, Inc.
Classification: Likely pathogenic for Glycogen storage disease type IV. Last evaluated: 2025-09-09. Review status: criteria provided, single submitter. Criteria: Natera Variant Classification Schema (03/2026). Collection method: clinical testing. Allele origin: germline.
Comment: The c.771T>A variant in GBE1 is a missense variant predicted to cause substitution of phenylalanine to leucine at amino acid 257. This variant is rare in the general population with a frequency below the threshold expected for the associated phenotype(s). This variant has been observed in one or more individuals affected with the associated recessive disease, as either homozygous or compound heterozygous with a second variant (PMID: 8613547). Functional studies show that this variant may disrupt protein function (PMID: 8613547). Computational prediction algorithms indicate this variant is likely to affect gene or protein function. Given the available evidence, this variant is classified as Likely Pathogenic.

Women's Health and Genetics/Laboratory Corporation of America, LabCorp
Classification: Uncertain significance. Last evaluated: 2025-06-20. Review status: criteria provided, single submitter. Criteria: LabCorp Variant Classification Summary - May 2015. Collection method: clinical testing. Allele origin: germline.
Comment: Variant summary: GBE1 c.771T>A (p.Phe257Leu) results in a non-conservative amino acid change located in the Glycosyl hydrolase, family 13, catalytic domain (IPR006047) of the encoded protein sequence. Algorithms developed to predict the effect of missense changes on protein structure and function all suggest that this variant is likely to be disruptive. The frequency data for this variant in gnomAD is considered unreliable, as metrics indicate poor data quality at this position. c.771T>A has been observed in at least one individual affected with Glycogen Storage Disease, Type IV (example: Bao_1996). This data does not allow any conclusion about variant significance. At least one publication reports experimental evidence evaluating an impact on protein function. The most pronounced variant effect resulted in ~27% of normal activity (example: Bao_1996). The following publication has been ascertained in the context of this evaluation (PMID: 8613547). ClinVar contains an entry for this variant (Variation ID: 2780). Based on the evidence outlined above, the variant was classified as VUS-possibly pathogenic.

Labcorp Genetics (formerly Invitae), Labcorp
Classification: Likely pathogenic for Glycogen storage disease, type IV; Glycogen storage disease IV, classic hepatic. Last evaluated: 2025-01-07. Review status: criteria provided, single submitter. Criteria: Invitae Variant Classification Sherloc (09022015). Collection method: clinical testing. Allele origin: germline.
Comment: This sequence change replaces phenylalanine, which is neutral and non-polar, with leucine, which is neutral and non-polar, at codon 257 of the GBE1 protein (p.Phe257Leu). This variant is present in population databases (rs137852887, gnomAD 0.004%). This missense change has been observed in individual(s) with glycogen storage disease IV (PMID: 8613547). In at least one individual the data is consistent with being in trans (on the opposite chromosome) from a pathogenic variant. ClinVar contains an entry for this variant (Variation ID: 2780). Invitae Evidence Modeling of protein sequence and biophysical properties (such as structural, functional, and spatial information, amino acid conservation, physicochemical variation, residue mobility, and thermodynamic stability) indicates that this missense variant is expected to disrupt GBE1 protein function with a positive predictive value of 95%. Experimental studies have shown that this missense change affects GBE1 function (PMID: 8613547). In summary, the currently available evidence indicates that the variant is pathogenic, but additional data are needed to prove that conclusively. Therefore, this variant has been classified as Likely Pathogenic.

Fulgent Genetics
Classification: Likely pathogenic for Glycogen storage disease, type IV; Adult polyglucosan body disease. Last evaluated: 2024-05-03. Review status: criteria provided, single submitter. Criteria: ACMG Guidelines, 2015. Collection method: clinical testing. Allele origin: germline.

Baylor Genetics
Classification: Likely pathogenic for Glycogen storage disease, type IV. Last evaluated: 2023-06-05. Review status: criteria provided, single submitter. Criteria: ACMG Guidelines, 2015. Collection method: clinical testing. Allele origin: unknown.

Broad Center for Mendelian Genomics, Broad Institute of MIT and Harvard
Classification: Likely pathogenic for Glycogen storage disease, type IV. Last evaluated: 2022-01-27. Review status: criteria provided, single submitter. Criteria: ACMG Guidelines, 2015. Collection method: curation. Allele origin: germline. Inheritance: Autosomal recessive inheritance.
Comment: The p.Phe257Leu variant in GBE1 has been reported in 1 individual, in the compound heterozygous state, with glycogen storage disease type IV (GSD IV) (PMID: 8613547) and has been identified in 0.004% (1/23832) of African/African American chromosomes by the Genome Aggregation Database (gnomAD; dbSNP ID: rs137852887). Although this variant has been seen in the general population in a heterozygous state, its frequency is low enough to be consistent with a recessive carrier frequency. This variant has also been reported in ClinVar (Variation ID#: 2780) and has been interpreted as pathogenic by OMIM, GeneDx, and GeneReviews. In vitro functional studies provide some evidence that the p.Phe257Leu variant may slightly impact protein function (PMID: 8613547). However, these types of assays may not accurately represent biological function. Computational prediction tools and conservation analyses suggest that this variant may impact the protein. In summary, although additional studies are required to fully establish its clinical significance, this variant is likely pathogenic for autosomal recessive GSD IV. ACMG/AMP Criteria applied: PP3, PM3, PM2, PS3_supporting (Richards 2015).

GeneDx
Classification: Pathogenic. Last evaluated: 2016-12-08. Review status: criteria provided, single submitter. Criteria: GeneDx Variant Classification (06012015). Collection method: clinical testing. Allele origin: germline. Affected: yes.
Comment: The F257L variant in the GBE1 gene has previously been reported in association with glycogen storage disorder type IV in a individual who was also compound heterozygous for a nonsense variant (Bao et al., 1996). Functional analysis of F257L found that it is associated with significantly reduced enzyme activity (Bao et al., 1996). Therefore we interpret F257L to be a pathogenic variant.

GeneReviews
Classification: Pathogenic for Adult Polyglucosan Body Disease. Last evaluated: 2009-04-02. Review status: no assertion criteria provided. Collection method: curation. Allele origin: unknown. Not counted in ClinVar's aggregate classification.
ClinVar note: Converted during submission from pathologic to Pathogenic.

OMIM
Classification: Pathogenic for GLYCOGEN STORAGE DISEASE IV, CLASSIC HEPATIC. Last evaluated: 1996-02-15. Review status: no assertion criteria provided. Collection method: literature only. Allele origin: germline. Not counted in ClinVar's aggregate classification.

Literature cited by the submitters: PubMed 8613547 (cited by 6 submitters).